The following is an entry in ClinVar:

NM_172364.5(CACNA2D4):c.2470G>A (p.Glu824Lys)

Gene: CACNA2D4 (calcium voltage-gated channel auxiliary subunit alpha2delta 4; minus strand). Cytogenetic location: 12p13.33.
Variant type: single nucleotide variant.
Coding change: c.2470G>A on transcript NM_172364.5 (MANE Select); coding-DNA position 2470, G replaced by A.
Protein change: p.Glu824Lys; replaces glutamic acid 824 with lysine.
Molecular consequence: missense variant.
Genome position (GRCh38, 1-based): chr12:1,844,402, C>T on the plus strand (G>A on the coding strand, the complement: CACNA2D4 is on the minus strand). VCF-style: chr12-1844402-C-T. GRCh37 (hg19) VCF-style: chr12-1953568-C-T.
Other names: short protein forms E824K.
Identifiers: ClinVar variation 1413993 (VCV001413993.7), dbSNP rs757794851, ClinGen allele CA6386697.

ClinVar aggregate classification (germline): Uncertain significance. Review status: criteria provided, multiple submitters, no conflicts (2 of 4 stars). 2 submissions from 2 submitters: Uncertain significance (2). Last evaluated 2022-04-16.

Allele frequency attached by ClinVar (database versions not stated): gnomAD exomes below 0.00001 and 0.00001; ExAC 0.00001; TOPMed 0.00003; gnomAD 0.00006.
gnomAD v4.1: 14 of 1,613,274 alleles (0.00087%); highest among the groups gnomAD compares: African/African-American, 0.019%; no homozygotes.

Submissions (2):

Labcorp Genetics (formerly Invitae), Labcorp
Classification: Uncertain significance. Last evaluated: 2022-04-16. Review status: criteria provided, single submitter. Criteria: Invitae Variant Classification Sherloc (09022015). Collection method: clinical testing. Allele origin: germline.
Comment: This variant is present in population databases (rs757794851, gnomAD 0.03%). This sequence change affects codon 824 of the CACNA2D4 mRNA. It is a 'silent' change, meaning that it does not change the encoded amino acid sequence of the CACNA2D4 protein. This variant also falls at the last nucleotide of exon 25, which is part of the consensus splice site for this exon. Algorithms developed to predict the effect of missense changes on protein structure and function (SIFT, PolyPhen-2, Align-GVGD) all suggest that this variant is likely to be tolerated. This variant has not been reported in the literature in individuals affected with CACNA2D4-related conditions. In summary, the available evidence is currently insufficient to determine the role of this variant in disease. Therefore, it has been classified as a Variant of Uncertain Significance. Variants that disrupt the consensus splice site are a relatively common cause of aberrant splicing (PMID: 17576681, 9536098). Algorithms developed to predict the effect of sequence changes on RNA splicing suggest that this variant may disrupt the consensus splice site.

Blueprint Genetics
Classification: Uncertain significance. Last evaluated: 2018-10-16. Review status: criteria provided, single submitter. Criteria: ACMG Guidelines, 2015. Collection method: clinical testing. Allele origin: germline.

Literature cited by the submitters: PubMed 17576681 (cited by Labcorp Genetics (formerly Invitae), Labcorp); PubMed 9536098 (cited by Labcorp Genetics (formerly Invitae), Labcorp).